The following is an entry in ClinVar:

ClinVar aggregate classification (germline): Pathogenic. Review status: criteria provided, single submitter (1 of 4 stars). 2 submissions from 2 submitters: Pathogenic (1). 1 of the submissions does not count toward it. Last evaluated 2025-03-20.

Conditions:
Intellectual developmental disorder, autosomal recessive 77 (MRT77). Identifiers: MedGen C5774193, MONDO:0031031, OMIM 619988.
Joubert syndrome and related disorders. Identifiers: Orphanet 140874, MedGen C5679612, MONDO:0015369.

Allele frequency attached by ClinVar (database versions not stated): gnomAD exomes below 0.00001; TOPMed below 0.00001; ExAC 0.00001.

Submissions (2):

Women's Health and Genetics/Laboratory Corporation of America, LabCorp
Classification: Pathogenic for Joubert syndrome and related disorders. Last evaluated: 2025-03-20. Review status: criteria provided, single submitter. Criteria: LabCorp Variant Classification Summary - May 2015. Collection method: clinical testing. Allele origin: germline.
Comment: Variant summary: CEP104 c.643C>T (p.Arg215X) results in a premature termination codon, predicted to cause a truncation of the encoded protein or absence of the protein due to nonsense mediated decay, which are commonly known mechanisms for disease. The variant allele was found at a frequency of 4e-06 in 251384 control chromosomes. To our knowledge, no occurrence of c.643C>T in individuals affected with Joubert Syndrome And Related Disorders and no experimental evidence demonstrating its impact on protein function have been reported. ClinVar contains an entry for this variant (Variation ID: 1700581). Based on the evidence outlined above, the variant was classified as pathogenic.

OMIM
Classification: Pathogenic for INTELLECTUAL DEVELOPMENTAL DISORDER, AUTOSOMAL RECESSIVE 77. Last evaluated: 2022-08-09. Review status: no assertion criteria provided. Collection method: literature only. Allele origin: germline. Not counted in ClinVar's aggregate classification.

Literature cited by the submitters: PubMed 35359234 (cited by OMIM).

NM_014704.4(CEP104):c.643C>T (p.Arg215Ter)

Gene: CEP104 (centrosomal protein 104; minus strand). Cytogenetic location: 1p36.32.
Variant type: single nucleotide variant.
Coding change: c.643C>T on transcript NM_014704.4 (MANE Select); coding-DNA position 643, C replaced by T.
Protein change: p.Arg215Ter; replaces arginine 215 with a stop codon.
Molecular consequence: nonsense.
Genome position (GRCh38, 1-based): chr1:3,839,700, G>A on the plus strand (C>T on the coding strand, the complement: CEP104 is on the minus strand). VCF-style: chr1-3839700-G-A. GRCh37 (hg19) VCF-style: chr1-3756264-G-A.
Other names: short protein forms R215*.
Identifiers: ClinVar variation 1700581 (VCV001700581.2), dbSNP rs759675006, ClinGen allele CA551860.